The following is an entry in ClinVar:

ClinVar aggregate classification (germline): Pathogenic (0 of 4 stars; one submission).

Submission:

GenMed Metabolism Lab
Classification: Pathogenic. Review status: no assertion criteria provided. Collection method: not provided. Allele origin: unknown.
ClinVar note: Converted during submission from pathogenic to Pathogenic.

NM_000531.6(OTC):c.317G>T (p.Gly106Val)

Gene: OTC (ornithine transcarbamylase; plus strand). Cytogenetic location: Xp11.4.
Variant type: single nucleotide variant.
Coding change: c.317G>T on transcript NM_000531.6 (MANE Select); coding-DNA position 317, G replaced by T.
Protein change: p.Gly106Val; replaces glycine 106 with valine.
Molecular consequence: missense variant.
Genome position (GRCh38, 1-based): chrX:38,381,360, G>T. VCF-style: chrX-38381360-G-T. GRCh37 (hg19) VCF-style: chrX-38240613-G-T.
Other names: short protein forms G106V.
Identifiers: ClinVar variation 97169 (VCV000097169.2), dbSNP rs67651903, ClinGen allele CA224556.